The following is an entry in ClinVar:

NM_000179.3(MSH6):c.721A>G (p.Ser241Gly)

Gene: MSH6 (mutS homolog 6; plus strand). Cytogenetic location: 2p16.3.
Variant type: single nucleotide variant.
Coding change: c.721A>G on transcript NM_000179.3 (MANE Select); coding-DNA position 721, A replaced by G.
Protein change: p.Ser241Gly; replaces serine 241 with glycine.
Molecular consequence: missense variant. On other transcripts: 5 prime UTR variant (2).
Genome position (GRCh38, 1-based): chr2:47,798,704, A>G. VCF-style: chr2-47798704-A-G. GRCh37 (hg19) VCF-style: chr2-48025843-A-G.
Other names: c.331A>G, p.Ser111Gly (NM_001281492.2); c.-186A>G (NM_001281493.2, NM_001281494.2); short protein forms S111G, S241G.
Identifiers: ClinVar variation 971283 (VCV000971283.3), dbSNP rs769962086, ClinGen allele CA346740008.

ClinVar aggregate classification (germline): Uncertain significance. Review status: criteria provided, multiple submitters, no conflicts (2 of 4 stars). 2 submissions from 2 submitters: Uncertain significance (2). Last evaluated 2022-06-06.

Conditions:
Hereditary nonpolyposis colorectal neoplasms. Identifiers: MedGen C0009405, MeSH D003123.
Hereditary cancer-predisposing syndrome. Also called: Neoplastic Syndromes, Hereditary; Hereditary Cancer Syndrome; Tumor predisposition; Hereditary neoplastic syndrome. Identifiers: Orphanet 140162, MedGen C0027672, MeSH D009386, MONDO:0015356.

gnomAD v4.1: 1 of 1,614,182 alleles (0.000062%); highest among the groups gnomAD compares: Non-Finnish European, 0.000085%; no homozygotes.

Submissions (2):

Color Diagnostics, LLC DBA Color Health
Classification: Uncertain significance for Hereditary cancer-predisposing syndrome. Last evaluated: 2022-06-06. Review status: criteria provided, single submitter. Criteria: ACMG Guidelines, 2015. Collection method: clinical testing. Allele origin: germline.
Comment: This missense variant replaces serine with glycine at codon 241 of the MSH6 protein. Computational prediction suggests that this variant may not impact protein structure and function (internally defined REVEL score threshold <= 0.5, PMID: 27666373). To our knowledge, functional studies have not been reported for this variant. This variant has not been reported in individuals affected with hereditary cancer in the literature. This variant has not been identified in the general population by the Genome Aggregation Database (gnomAD). The available evidence is insufficient to determine the role of this variant in disease conclusively. Therefore, this variant is classified as a Variant of Uncertain Significance.

Labcorp Genetics (formerly Invitae), Labcorp
Classification: Uncertain significance for Hereditary nonpolyposis colon cancer. Last evaluated: 2019-10-22. Review status: criteria provided, single submitter. Criteria: Invitae Variant Classification Sherloc (09022015). Collection method: clinical testing. Allele origin: germline.
Comment: This sequence change replaces serine with glycine at codon 241 of the MSH6 protein (p.Ser241Gly). The serine residue is weakly conserved and there is a small physicochemical difference between serine and glycine. This variant is not present in population databases (ExAC no frequency). This variant has not been reported in the literature in individuals with MSH6-related conditions. Algorithms developed to predict the effect of missense changes on protein structure and function are either unavailable or do not agree on the potential impact of this missense change (SIFT: "Tolerated"; PolyPhen-2: "Probably Damaging"; Align-GVGD: "Class C0"). In summary, the available evidence is currently insufficient to determine the role of this variant in disease. Therefore, it has been classified as a Variant of Uncertain Significance.